The following is an entry in ClinVar:

ClinVar aggregate classification (germline): Uncertain significance. Review status: criteria provided, multiple submitters, no conflicts (2 of 4 stars). 2 submissions from 2 submitters: Uncertain significance (2). Last evaluated 2025-08-07.

Conditions:
Hereditary cancer-predisposing syndrome. Also called: Neoplastic Syndromes, Hereditary; Tumor predisposition; Hereditary neoplastic syndrome; Hereditary Cancer Syndrome. Identifiers: Orphanet 140162, MedGen C0027672, MeSH D009386, MONDO:0015356.

Allele frequency attached by ClinVar (database versions not stated): gnomAD exomes below 0.00001; TOPMed below 0.00001; gnomAD 0.00001.
gnomAD v4.1: 4 of 1,608,694 alleles (0.00025%); highest among the groups gnomAD compares: Admixed American, 0.0017%; no homozygotes.

Submissions (2):

Labcorp Genetics (formerly Invitae), Labcorp
Classification: Uncertain significance. Last evaluated: 2025-08-07. Review status: criteria provided, single submitter. Criteria: Invitae Variant Classification Sherloc (09022015). Collection method: clinical testing. Allele origin: germline.
Comment: This sequence change replaces threonine, which is neutral and polar, with isoleucine, which is neutral and non-polar, at codon 541 of the MSH3 protein (p.Thr541Ile). This variant is not present in population databases (gnomAD no frequency). This variant has not been reported in the literature in individuals affected with MSH3-related conditions. ClinVar contains an entry for this variant (Variation ID: 643776). An algorithm developed to predict the effect of missense changes on protein structure and function (PolyPhen-2) suggests that this variant is likely to be disruptive. In summary, the available evidence is currently insufficient to determine the role of this variant in disease. Therefore, it has been classified as a Variant of Uncertain Significance.

Ambry Genetics
Classification: Uncertain significance for Hereditary cancer-predisposing syndrome. Last evaluated: 2024-02-23. Review status: criteria provided, single submitter. Criteria: Ambry Variant Classification Scheme 2023. Collection method: clinical testing. Allele origin: germline.
Comment: The p.T541I variant (also known as c.1622C>T), located in coding exon 11 of the MSH3 gene, results from a C to T substitution at nucleotide position 1622. The threonine at codon 541 is replaced by isoleucine, an amino acid with similar properties. This amino acid position is well conserved in available vertebrate species. In addition, this alteration is predicted to be deleterious by in silico analysis. Since supporting evidence is limited at this time, the clinical significance of this alteration remains unclear.

NM_002439.5(MSH3):c.1622C>T (p.Thr541Ile)

Gene: MSH3 (mutS homolog 3; plus strand). Cytogenetic location: 5q14.1.
Variant type: single nucleotide variant.
Coding change: c.1622C>T on transcript NM_002439.5 (MANE Select); coding-DNA position 1622, C replaced by T.
Protein change: p.Thr541Ile; replaces threonine 541 with isoleucine.
Molecular consequence: missense variant.
Genome position (GRCh38, 1-based): chr5:80,741,517, C>T. VCF-style: chr5-80741517-C-T. GRCh37 (hg19) VCF-style: chr5-80037336-C-T.
Other names: short protein forms T541I.
Identifiers: ClinVar variation 643776 (VCV000643776.13), dbSNP rs1178614269, ClinGen allele CA360274535.